The following is an entry in ClinVar:

ClinVar aggregate classification (germline): Pathogenic. Review status: criteria provided, multiple submitters, no conflicts (2 of 4 stars). 4 submissions from 4 submitters: Pathogenic (3). 1 of the submissions does not count toward it. Last evaluated 2024-08-22.

Conditions:
Polycystic kidney disease 4 (PKD4). Also called: Autosomal Recessive Polycystic Kidney Disease – PKHD1; POLYCYSTIC KIDNEY AND HEPATIC DISEASE 1; POLYCYSTIC KIDNEY DISEASE, INFANTILE, TYPE I; PKD3; POLYCYSTIC KIDNEY DISEASE 4 WITH OR WITHOUT POLYCYSTIC LIVER DISEASE. Identifiers: MedGen C4540575, MONDO:0033004, OMIM 263200.
Autosomal recessive polycystic kidney disease (ARPKD). Also called: AR polycystic kidney disease. Identifiers: Orphanet 731, Orphanet 8378, MedGen C0085548, MeSH D017044, MONDO:0009889.

Submissions (4):

Natera, Inc.
Classification: Pathogenic for Autosomal recessive polycystic kidney disease. Last evaluated: 2024-08-22. Review status: criteria provided, single submitter. Criteria: Natera Variant Classification Schema (03/2026). Collection method: clinical testing. Allele origin: germline.
Comment: The c.7122delT variant in PKHD1 is a frameshift variant predicted to shift the reading frame beginning at codon 2374 and leads to a stop codon 41 codons downstream. This variant is expected to result in nonsense mediated decay, truncation, or a dysfunctional protein product. This variant is rare in the general population with a frequency below the threshold expected for the associated phenotype(s). This variant has been observed in one or more individuals affected with the associated recessive disease, as either homozygous or compound heterozygous with a second variant (PMID: 29956005). Given the available evidence, this variant is classified as Pathogenic.

Labcorp Genetics (formerly Invitae), Labcorp
Classification: Pathogenic for Autosomal recessive polycystic kidney disease. Last evaluated: 2023-08-24. Review status: criteria provided, single submitter. Criteria: Invitae Variant Classification Sherloc (09022015). Collection method: clinical testing. Allele origin: germline.
Comment: For these reasons, this variant has been classified as Pathogenic. This sequence change creates a premature translational stop signal (p.Phe2374Leufs*41) in the PKHD1 gene. It is expected to result in an absent or disrupted protein product. Loss-of-function variants in PKHD1 are known to be pathogenic (PMID: 19940839). This variant is not present in population databases (gnomAD no frequency). This premature translational stop signal has been observed in individual(s) with polycystic kidney disease (PMID: 19914852). ClinVar contains an entry for this variant (Variation ID: 556905).

Women's Health and Genetics/Laboratory Corporation of America, LabCorp
Classification: Pathogenic for Autosomal recessive polycystic kidney disease. Last evaluated: 2019-05-16. Review status: criteria provided, single submitter. Criteria: LabCorp Variant Classification Summary - May 2015. Collection method: clinical testing. Allele origin: germline.
Comment: Variant summary: PKHD1 c.7122delT (p.Phe2374LeufsX41) results in a premature termination codon, predicted to cause a truncation of the encoded protein or absence of the protein due to nonsense mediated decay, which are commonly known mechanisms for disease. Truncations downstream of this position have been classified as pathogenic by our laboratory. The variant was absent in 250874 control chromosomes (gnomAD). c.7122delT has been reported in the literature in individuals affected with Polycystic Kidney and Hepatic Disease (Denamur_2010, Gunay-Aygun_2010, Szabo_2018, Tong_2016). These data indicate that the variant is likely to be associated with disease. To our knowledge, no experimental evidence demonstrating an impact on protein function has been reported. A ClinVar submission from a clinical diagnostic laboratory (evaluation after 2014) cites the variant as pathogenic. Based on the evidence outlined above, the variant was classified as pathogenic.

Counsyl
Classification: Pathogenic for Polycystic kidney disease 4. Last evaluated: 2018-02-28. Review status: no assertion criteria provided. Collection method: clinical testing. Allele origin: unknown. Not counted in ClinVar's aggregate classification.

Literature cited by the submitters: PubMed 29956005 (cited by Natera, Inc. and Women's Health and Genetics/Laboratory Corporation of America, LabCorp); PubMed 19940839 (cited by 3 submitters); PubMed 19914852 (cited by 3 submitters); PubMed 27752906 (cited by Women's Health and Genetics/Laboratory Corporation of America, LabCorp).

NM_138694.4(PKHD1):c.7122del (p.Phe2374fs)

Gene: PKHD1 (PKHD1 ciliary IPT domain containing fibrocystin/polyductin; minus strand). Cytogenetic location: 6p12.2.
Variant type: Deletion.
Coding change: c.7122del on transcript NM_138694.4 (MANE Select); coding-DNA position 7122, one base deleted (T; older notation c.7122delT).
Protein change: p.Phe2374fs; shifts the reading frame from phenylalanine 2374.
Molecular consequence: frameshift variant.
Genome position (GRCh38, 1-based): chr6:51,885,960, A deleted on the plus strand (T on the coding strand, the reverse complement: PKHD1 is on the minus strand); the first of 3 consecutive A bases (chr6:51,885,960-51,885,962); deleting any one gives the same sequence. VCF-style (leftmost placement, unchanged base first): chr6-51885959-CA-C. GRCh37 (hg19) VCF-style: chr6-51750757-CA-C.
Other names: c.7122del, p.Phe2374fs (NM_170724.3); c.7122del (NM_138694.3); short protein forms F2374fs.
Identifiers: ClinVar variation 556905 (VCV000556905.16), dbSNP rs1554289495, ClinGen allele CA658822579.